The following is an entry in ClinVar:

NM_014915.3(ANKRD26):c.303C>G (p.Asp101Glu)

Gene: ANKRD26 (ankyrin repeat domain 26; minus strand). Cytogenetic location: 10p12.1.
Variant type: single nucleotide variant.
Coding change: c.303C>G on transcript NM_014915.3 (MANE Select); coding-DNA position 303, C replaced by G.
Protein change: p.Asp101Glu; replaces aspartic acid 101 with glutamic acid.
Molecular consequence: missense variant.
Genome position (GRCh38, 1-based): chr10:27,093,739, G>C on the plus strand (C>G on the coding strand, the complement: ANKRD26 is on the minus strand). VCF-style: chr10-27093739-G-C. GRCh37 (hg19) VCF-style: chr10-27382668-G-C.
Other names: c.303C>G, p.Asp101Glu (NM_001256053.2); short protein forms D101E.
Identifiers: ClinVar variation 2886513 (VCV002886513.6), dbSNP rs530801101, ClinGen allele CA5448990.

ClinVar aggregate classification (germline): Conflicting classifications of pathogenicity. Review status: criteria provided, conflicting classifications (1 of 4 stars). 4 submissions from 4 submitters: Uncertain significance (1); Benign (1); Likely benign (2). Last evaluated 2026-06-24.

Conditions:
Inborn genetic diseases. Identifiers: MedGen C0950123, MeSH D030342.

Allele frequency attached by ClinVar (database versions not stated): ExAC 0.00028; gnomAD exomes 0.00014; gnomAD 0.00005; TOPMed below 0.00001; 1000 Genomes Project 0.00040; 1000 Genomes Project 30x 0.00047.
gnomAD v4.1: 201 of 1,614,196 alleles (0.012%); highest among the groups gnomAD compares: South Asian, 0.2%; 4 homozygotes.

Submissions (4):

Women's Health and Genetics/Laboratory Corporation of America, LabCorp
Classification: Likely benign. Last evaluated: 2026-06-24. Review status: criteria provided, single submitter. Criteria: LabCorp Variant Classification Summary - May 2015. Collection method: clinical testing. Allele origin: germline.
Comment: Variant summary: ANKRD26 c.303C>G (p.Asp101Glu) results in a conservative amino acid change in the encoded protein sequence. Algorithms developed to predict the effect of missense changes on protein structure and function all suggest that this variant is likely to be tolerated. The variant allele was found at a frequency of 0.00029 in 250040 control chromosomes, predominantly at a frequency of 0.0023 within the South Asian subpopulation in the gnomAD database, including 2 homozygotes. The observed variant frequency within South Asian control individuals in the gnomAD database exceeds the estimated maximal expected allele frequency for disease-causing variants in ANKRD26. To our knowledge, no occurrence of c.303C>G in individuals affected with ANKRD26-related conditions and no experimental evidence demonstrating its impact on protein function have been reported. ClinVar contains an entry for this variant (Variation ID: 2886513). Based on the evidence outlined above, the variant was classified as likely benign.

Labcorp Genetics (formerly Invitae), Labcorp
Classification: Benign. Last evaluated: 2025-06-22. Review status: criteria provided, single submitter. Criteria: Invitae Variant Classification Sherloc (09022015). Collection method: clinical testing. Allele origin: germline.

Ambry Genetics
Classification: Likely benign for Inborn genetic diseases. Last evaluated: 2024-10-15. Review status: criteria provided, single submitter. Criteria: Ambry Variant Classification Scheme 2023. Collection method: clinical testing. Allele origin: germline.

GeneDx
Classification: Uncertain significance. Last evaluated: 2023-07-24. Review status: criteria provided, single submitter. Criteria: GeneDx Variant Classification Process June 2021. Collection method: clinical testing. Allele origin: germline. Affected: yes.
Comment: In silico analysis supports that this missense variant does not alter protein structure/function; Has not been previously published as pathogenic or benign to our knowledge